The following is an entry in ClinVar:

NM_004408.4(DNM1):c.1037G>T (p.Gly346Val)

Gene: DNM1 (dynamin 1; plus strand). Cytogenetic location: 9q34.11.
Variant type: single nucleotide variant.
Coding change: c.1037G>T on transcript NM_004408.4 (MANE Select); coding-DNA position 1037, G replaced by T.
Protein change: p.Gly346Val; replaces glycine 346 with valine.
Molecular consequence: missense variant.
Genome position (GRCh38, 1-based): chr9:128,222,505, G>T. VCF-style: chr9-128222505-G-T. GRCh37 (hg19) VCF-style: chr9-130984784-G-T.
Other names: c.1037G>T, p.Gly346Val (NM_001005336.3, NM_001288737.2, NM_001288738.2 and 1 more transcripts); short protein forms G346V.
Identifiers: ClinVar variation 421089 (VCV000421089.3), dbSNP rs1064794903, ClinGen allele CA16618753.

ClinVar aggregate classification (germline): Pathogenic (1 of 4 stars; one submission).

Submission:

GeneDx
Classification: Pathogenic. Last evaluated: 2019-07-09. Review status: criteria provided, single submitter. Criteria: GeneDx Variant Classification Process June 2021. Collection method: clinical testing. Allele origin: germline. Affected: yes.
Comment: Not observed in large population cohorts (Lek et al., 2016); In silico analysis, which includes protein predictors and evolutionary conservation, supports a deleterious effect; This variant is associated with the following publications: (PMID: 28667181)